The following is an entry in ClinVar:

NM_003105.6(SORL1):c.5969A>G (p.Glu1990Gly)

Gene: SORL1 (sortilin related receptor 1; plus strand). Cytogenetic location: 11q24.1.
Variant type: single nucleotide variant.
Coding change: c.5969A>G on transcript NM_003105.6 (MANE Select); coding-DNA position 5969, A replaced by G.
Protein change: p.Glu1990Gly; replaces glutamic acid 1990 with glycine.
Molecular consequence: missense variant.
Genome position (GRCh38, 1-based): chr11:121,621,143, A>G. VCF-style: chr11-121621143-A-G. GRCh37 (hg19) VCF-style: chr11-121491852-A-G.
Other names: c.5969A>G (NM_003105.5); short protein forms E1990G.
Identifiers: ClinVar variation 1359600 (VCV001359600.7), dbSNP rs946548088, ClinGen allele CA229891278.

ClinVar aggregate classification (germline): Uncertain significance. Review status: criteria provided, multiple submitters, no conflicts (2 of 4 stars). 2 submissions from 2 submitters: Uncertain significance (2). Last evaluated 2024-02-12.

Allele frequency attached by ClinVar (database versions not stated): gnomAD exomes below 0.00001; gnomAD 0.00004 and 0.00005; TOPMed 0.00005.
gnomAD v4.1: 11 of 1,613,990 alleles (0.00068%); highest among the groups gnomAD compares: African/African-American, 0.011%; no homozygotes.

Submissions (2):

Ambry Genetics
Classification: Uncertain significance. Last evaluated: 2024-02-12. Review status: criteria provided, single submitter. Criteria: Ambry Variant Classification Scheme 2023. Collection method: clinical testing. Allele origin: germline.

Labcorp Genetics (formerly Invitae), Labcorp
Classification: Uncertain significance. Last evaluated: 2023-03-14. Review status: criteria provided, single submitter. Criteria: Invitae Variant Classification Sherloc (09022015). Collection method: clinical testing. Allele origin: germline.
Comment: This variant is present in population databases (no rsID available, gnomAD 0.008%). This variant has not been reported in the literature in individuals affected with SORL1-related conditions. ClinVar contains an entry for this variant (Variation ID: 1359600). An algorithm developed to predict the effect of missense changes on protein structure and function (PolyPhen-2) suggests that this variant is likely to be disruptive. In summary, the available evidence is currently insufficient to determine the role of this variant in disease. Therefore, it has been classified as a Variant of Uncertain Significance. This sequence change replaces glutamic acid, which is acidic and polar, with glycine, which is neutral and non-polar, at codon 1990 of the SORL1 protein (p.Glu1990Gly).